The following is an entry in ClinVar:

ClinVar aggregate classification (germline): Conflicting classifications of pathogenicity. Review status: criteria provided, conflicting classifications (1 of 4 stars). 2 submissions from 2 submitters: Uncertain significance (1); Likely benign (1). Last evaluated 2026-08-06.

Conditions:
Adult hypophosphatasia. Identifiers: Orphanet 247676, Orphanet 436, MedGen C0268413, MONDO:1010154, OMIM 146300, MONDO:0007798.

Submissions (2):

OLLIN Analises Genomicas, OLLIN
Classification: Uncertain significance for Adult hypophosphatasia. Last evaluated: 2026-08-06. Review status: criteria provided, single submitter. Criteria: ACMG Guidelines 2015 PMID 25741868. Collection method: clinical testing. Allele origin: germline. Inheritance: Autosomal dominant inheritance.
Comment: This missense variant, located in exon 3 (of 12), is absent from gnomAD and ClinVar and has not been identified in the literature. In silico analysis is inconclusive regarding the impact of this variant. This variant is located in a region considered to be a mutational hotspot. This gene is constrained for missense variation. According to the currently available evidence, this variant has been classified as uncertain significance (PM1, PM2_P, PP2).

Blueprint Genetics
Classification: Likely benign. Last evaluated: 2023-09-06. Review status: criteria provided, single submitter. Criteria: ACMG Guidelines, 2015. Collection method: clinical testing. Allele origin: germline.

NM_000478.6(ALPL):c.112A>C (p.Lys38Gln)

Gene: ALPL (alkaline phosphatase, biomineralization associated; plus strand). Cytogenetic location: 1p36.12.
Variant type: single nucleotide variant.
Coding change: c.112A>C on transcript NM_000478.6 (MANE Select); coding-DNA position 112, A replaced by C.
Protein change: p.Lys38Gln; replaces lysine 38 with glutamine.
Molecular consequence: missense variant. On other transcripts: 5 prime UTR variant (2).
Genome position (GRCh38, 1-based): chr1:21,560,676, A>C. VCF-style: chr1-21560676-A-C. GRCh37 (hg19) VCF-style: chr1-21887169-A-C.
Other names: c.-54A>C (NM_001127501.4); c.-4A>C (NM_001177520.3); c.112A>C, p.Lys38Gln (NM_001369803.2, NM_001369804.2, NM_001369805.2); short protein forms K38Q.
Identifiers: ClinVar variation 4960144 (VCV004960144.2).